The following is an entry in ClinVar:

NM_001126108.2(SLC12A3):c.1114C>A (p.Pro372Thr)

Gene: SLC12A3 (solute carrier family 12 member 3; plus strand). Cytogenetic location: 16q13.
Variant type: single nucleotide variant.
Coding change: c.1114C>A on transcript NM_001126108.2 (MANE Select); coding-DNA position 1114, C replaced by A.
Protein change: p.Pro372Thr; replaces proline 372 with threonine.
Molecular consequence: missense variant.
Genome position (GRCh38, 1-based): chr16:56,878,095, C>A. VCF-style: chr16-56878095-C-A. GRCh37 (hg19) VCF-style: chr16-56912007-C-A.
Other names: c.1114C>A, p.Pro372Thr (NM_000339.3); c.1111C>A, p.Pro371Thr (NM_001126107.2); short protein forms P371T, P372T.
Identifiers: ClinVar variation 887356 (VCV000887356.6), dbSNP rs2055189755, ClinGen allele CA395984750.

ClinVar aggregate classification (germline): Uncertain significance. Review status: criteria provided, multiple submitters, no conflicts (2 of 4 stars). 3 submissions from 3 submitters: Uncertain significance (3). Last evaluated 2025-07-08.

Conditions:
Familial hypokalemia-hypomagnesemia (GTLMNS). Also called: gitelman syndrome; HYPOMAGNESEMIA-HYPOKALEMIA, PRIMARY RENOTUBULAR, WITH HYPOCALCIURIA; POTASSIUM AND MAGNESIUM DEPLETION. Identifiers: Orphanet 358, MedGen C0268450, MONDO:0009904, OMIM 263800.

Allele frequency attached by ClinVar (database versions not stated): TOPMed below 0.00001; gnomAD 0.00001.
gnomAD v4.1: 23 of 1,558,592 alleles (0.0015%); highest among the groups gnomAD compares: East Asian, 0.053%; no homozygotes.

Submissions (3):

3billion
Classification: Uncertain significance for Familial hypokalemia-hypomagnesemia. Last evaluated: 2025-07-08. Review status: criteria provided, single submitter. Criteria: ACMG Guidelines, 2015. Collection method: clinical testing. Allele origin: germline. Affected: yes.
Comment: The variant is observed at an extremely low frequency in the gnomAD v4.1.0 dataset (total allele frequency: 0.001%). Predicted Consequence/Location: Missense variant In silico tool predictions suggest damaging effect of the variant on gene or gene product [REVEL: 0.88 (>=0.6, sensitivity 0.68 and specificity 0.92); 3Cnet: 0.99 (> 0.75, sensitivity 0.96 and precision 0.92)]. The variant has been reported as of uncertain significance (ClinVar ID: VCV000887356). Therefore, this variant is classified as VUS according to the recommendation of ACMG/AMP guideline.

Fulgent Genetics
Classification: Uncertain significance for Familial hypokalemia-hypomagnesemia. Last evaluated: 2022-05-24. Review status: criteria provided, single submitter. Criteria: ACMG Guidelines, 2015. Collection method: clinical testing. Allele origin: unknown.

Illumina Laboratory Services, Illumina
Classification: Uncertain significance for Familial hypokalemia-hypomagnesemia. Last evaluated: 2018-01-12. Review status: criteria provided, single submitter. Criteria: ICSL Variant Classification Criteria 13 December 2019. Collection method: clinical testing. Allele origin: germline.